The following is an entry in ClinVar:

ClinVar aggregate classification (germline): Likely pathogenic. Review status: criteria provided, multiple submitters, no conflicts (2 of 4 stars). 3 submissions from 3 submitters: Likely pathogenic (2). 1 of the submissions does not count toward it. Last evaluated 2023-06-09.

Conditions:
COL4A3-related disorder. Also called: COL4A3-related condition; COL4A3-Related Disorders.
Autosomal dominant Alport syndrome (ATS3A). Also called: Alport syndrome dominant type; Renal failure and sensorineural hearing loss; ALPORT SYNDROME 3A, AUTOSOMAL DOMINANT. Identifiers: Orphanet 63, Orphanet 88918, MedGen C5882663, MONDO:0007086, OMIM 104200.

Allele frequency attached by ClinVar (database versions not stated): gnomAD exomes below 0.00001.
gnomAD v4.1: 1 of 1,613,890 alleles (0.000062%); highest among the groups gnomAD compares: Non-Finnish European, 0.000085%; no homozygotes.

Submissions (3):

MVZ Medizinische Genetik Mainz
Classification: Likely pathogenic for Autosomal dominant Alport syndrome. Last evaluated: 2023-06-09. Review status: criteria provided, single submitter. Criteria: UK Practice Guidelines For Variant Classification V4 01 2020. Collection method: clinical testing. Allele origin: germline. Inheritance: Autosomal dominant inheritance. Affected: yes. Observed: 1 variant allele.
Comment: ACMG Criteria: PM1_STR,PS4_SUP,PM2_SUP,PP3,PP4

Blueprint Genetics
Classification: Likely pathogenic for COL4A3-related disorders. Last evaluated: 2021-06-28. Review status: criteria provided, single submitter. Criteria: ACMG Guidelines, 2015. Collection method: clinical testing. Allele origin: germline. Affected: yes. Observed: 1 variant allele.

Gharavi Laboratory, Columbia University
Classification: Likely pathogenic. Last evaluated: 2018-09-16. Review status: no assertion criteria provided. Criteria: ACMG Guidelines, 2015. Collection method: research. Allele origin: germline. Affected: yes. Not counted in ClinVar's aggregate classification.

NM_000091.5(COL4A3):c.3275G>T (p.Gly1092Val)

Genes: COL4A3 (collagen type IV alpha 3 chain; plus strand), MFF-DT (MFF divergent transcript; minus strand). Cytogenetic location: 2q36.3.
Variant type: single nucleotide variant.
Coding change: c.3275G>T on transcript NM_000091.5 (MANE Select); coding-DNA position 3275, G replaced by T.
Protein change: p.Gly1092Val; replaces glycine 1092 with valine.
Molecular consequence: missense variant.
Genome position (GRCh38, 1-based): chr2:227,293,255, G>T. VCF-style: chr2-227293255-G-T. GRCh37 (hg19) VCF-style: chr2-228157971-G-T.
Other names: short protein forms G1092V.
Identifiers: ClinVar variation 562274 (VCV000562274.3), dbSNP rs1559909513, ClinGen allele CA350857572.